The following is an entry in ClinVar:

NM_032043.3(BRIP1):c.2166A>G (p.Thr722=)

Gene: BRIP1 (BRCA1 interacting DNA helicase 1; minus strand). Cytogenetic location: 17q23.2.
Variant type: single nucleotide variant.
Coding change: c.2166A>G on transcript NM_032043.3 (MANE Select); coding-DNA position 2166, A replaced by G.
Protein change: p.Thr722=; no amino-acid change (threonine 722 retained).
Molecular consequence: synonymous variant.
Genome position (GRCh38, 1-based): chr17:61,744,523, T>C on the plus strand (A>G on the coding strand, the complement: BRIP1 is on the minus strand). VCF-style: chr17-61744523-T-C. GRCh37 (hg19) VCF-style: chr17-59821884-T-C.
Other names: c.2166A>G (NM_032043.2).
Identifiers: ClinVar variation 1123574 (VCV001123574.12), dbSNP rs2144698611, ClinGen allele CA501151344.

ClinVar aggregate classification (germline): Benign/Likely benign. Review status: criteria provided, multiple submitters, no conflicts (2 of 4 stars). 3 submissions from 3 submitters: Benign (1); Likely benign (2). Last evaluated 2025-03-05.

Conditions:
Familial cancer of breast. Also called: Hereditary breast cancer; BREAST CANCER, FAMILIAL; hereditary breast carcinoma. Identifiers: Orphanet 227535, MedGen C0346153, MONDO:0016419, OMIM 114480. Disease mechanism: loss of function.
Fanconi anemia complementation group J. Also called: BRIP1-Related Fanconi Anemia. Identifiers: Orphanet 84, MedGen C1836860, MONDO:0012187, OMIM 609054.
Hereditary cancer-predisposing syndrome. Also called: Neoplastic Syndromes, Hereditary; Tumor predisposition; Hereditary Cancer Syndrome; Hereditary neoplastic syndrome. Identifiers: Orphanet 140162, MedGen C0027672, MeSH D009386, MONDO:0015356.

Allele frequency attached by ClinVar (database versions not stated): gnomAD exomes below 0.00001.
gnomAD v4.1: 1 of 1,613,886 alleles (0.000062%); highest among the groups gnomAD compares: Non-Finnish European, 0.000085%; no homozygotes.

Submissions (3):

Ambry Genetics
Classification: Likely benign for Hereditary cancer-predisposing syndrome. Last evaluated: 2025-03-05. Review status: criteria provided, single submitter. Criteria: Ambry Variant Classification Scheme 2023. Collection method: clinical testing. Allele origin: germline.

Myriad Genetics, Inc.
Classification: Benign for Familial cancer of breast. Last evaluated: 2024-09-03. Review status: criteria provided, single submitter. Criteria: Myriad Autosomal Dominant, Autosomal Recessive and X-Linked Classification Criteria (2023). Collection method: clinical testing. Allele origin: unknown.
Comment: This variant is considered benign. This variant is a silent/synonymous amino acid change and it is not expected to impact splicing.

Labcorp Genetics (formerly Invitae), Labcorp
Classification: Likely benign for Familial cancer of breast; Fanconi anemia complementation group J. Last evaluated: 2023-04-20. Review status: criteria provided, single submitter. Criteria: Invitae Variant Classification Sherloc (09022015). Collection method: clinical testing. Allele origin: germline.